The following is an entry in ClinVar:

ClinVar aggregate classification (germline): Uncertain significance. Review status: criteria provided, multiple submitters, no conflicts (2 of 4 stars). 2 submissions from 2 submitters: Uncertain significance (2). Last evaluated 2025-06-30.

Allele frequency attached by ClinVar (database versions not stated): TOPMed 0.00002; ExAC 0.00004; gnomAD 0.00001; gnomAD exomes 0.00002.
gnomAD v4.1: 25 of 1,612,176 alleles (0.0016%); highest among the groups gnomAD compares: South Asian, 0.0077%; no homozygotes.

Submissions (2):

Labcorp Genetics (formerly Invitae), Labcorp
Classification: Uncertain significance. Last evaluated: 2025-06-30. Review status: criteria provided, single submitter. Criteria: Invitae Variant Classification Sherloc (09022015). Collection method: clinical testing. Allele origin: germline.
Comment: This sequence change replaces alanine, which is neutral and non-polar, with valine, which is neutral and non-polar, at codon 268 of the FAM186B protein (p.Ala268Val). This variant is present in population databases (rs779161612, gnomAD 0.01%). This variant has not been reported in the literature in individuals affected with FAM186B-related conditions. ClinVar contains an entry for this variant (Variation ID: 2218602). An algorithm developed to predict the effect of missense changes on protein structure and function (PolyPhen-2) suggests that this variant is likely to be tolerated. In summary, the available evidence is currently insufficient to determine the role of this variant in disease. Therefore, it has been classified as a Variant of Uncertain Significance.

Ambry Genetics
Classification: Uncertain significance. Last evaluated: 2022-09-26. Review status: criteria provided, single submitter. Criteria: Ambry Variant Classification Scheme 2023. Collection method: clinical testing. Allele origin: germline.

NM_032130.3(FAM186B):c.803C>T (p.Ala268Val)

Gene: FAM186B (family with sequence similarity 186 member B; minus strand). Cytogenetic location: 12q13.12.
Variant type: single nucleotide variant.
Coding change: c.803C>T on transcript NM_032130.3 (MANE Select); coding-DNA position 803, C replaced by T.
Protein change: p.Ala268Val; replaces alanine 268 with valine.
Molecular consequence: missense variant. On other transcripts: non-coding transcript variant (1).
Genome position (GRCh38, 1-based): chr12:49,600,837, G>A on the plus strand (C>T on the coding strand, the complement: FAM186B is on the minus strand). VCF-style: chr12-49600837-G-A. GRCh37 (hg19) VCF-style: chr12-49994620-G-A.
Other names: short protein forms A268V.
Identifiers: ClinVar variation 2218602 (VCV002218602.4), dbSNP rs779161612, ClinGen allele CA6554807.